The following is an entry in ClinVar:

ClinVar aggregate classification (germline): Uncertain significance (1 of 4 stars; one submission).

Submission:

GeneDx
Classification: Uncertain significance. Last evaluated: 2023-11-12. Review status: criteria provided, single submitter. Criteria: GeneDx Variant Classification Process June 2021. Collection method: clinical testing. Allele origin: germline. Affected: yes.
Comment: Not observed at significant frequency in large population cohorts (gnomAD); In silico analysis supports that this missense variant does not alter protein structure/function; Has not been previously published as pathogenic or benign to our knowledge

NM_021964.3(ZNF148):c.1018A>G (p.Lys340Glu)

Gene: ZNF148 (zinc finger protein 148; minus strand). Cytogenetic location: 3q21.2.
Variant type: single nucleotide variant.
Coding change: c.1018A>G on transcript NM_021964.3 (MANE Select); coding-DNA position 1018, A replaced by G.
Protein change: p.Lys340Glu; replaces lysine 340 with glutamic acid.
Molecular consequence: missense variant.
Genome position (GRCh38, 1-based): chr3:125,233,708, T>C on the plus strand (A>G on the coding strand, the complement: ZNF148 is on the minus strand). VCF-style: chr3-125233708-T-C. GRCh37 (hg19) VCF-style: chr3-124952552-T-C.
Other names: c.1018A>G, p.Lys340Glu (NM_001348424.1, NM_001348425.2, NM_001348426.2 and 7 more transcripts); c.892A>G, p.Lys298Glu (NM_001348434.2); short protein forms K298E, K340E.
Identifiers: ClinVar variation 3364274 (VCV003364274.1).